The following is an entry in ClinVar:

ClinVar aggregate classification (germline): Uncertain significance (1 of 4 stars; one submission).

Conditions:
Hypertrophic cardiomyopathy. Also called: HYPERTROPHIC MYOCARDIOPATHY. Identifiers: Orphanet 217569, MedGen C0007194, MeSH D002312, MONDO:0005045, HP:0001639.

Allele frequency attached by ClinVar (database versions not stated): TOPMed below 0.00001.

Submission:

Labcorp Genetics (formerly Invitae), Labcorp
Classification: Uncertain significance for Hypertrophic cardiomyopathy. Last evaluated: 2018-11-08. Review status: criteria provided, single submitter. Criteria: Invitae Variant Classification Sherloc (09022015). Collection method: clinical testing. Allele origin: germline.
Comment: This variant has not been reported in the literature in individuals with MYBPC3-related disease. This sequence change replaces leucine with serine at codon 1258 of the MYBPC3 protein (p.Leu1258Ser). The leucine residue is moderately conserved and there is a large physicochemical difference between leucine and serine. This variant is not present in population databases (ExAC no frequency). Algorithms developed to predict the effect of missense changes on protein structure and function (SIFT, PolyPhen-2, Align-GVGD) all suggest that this variant is likely to be tolerated, but these predictions have not been confirmed by published functional studies and their clinical significance is uncertain. In summary, the available evidence is currently insufficient to determine the role of this variant in disease. Therefore, it has been classified as a Variant of Uncertain Significance.

NM_000256.3(MYBPC3):c.3773T>C (p.Leu1258Ser)

Gene: MYBPC3 (myosin binding protein C3; minus strand). Cytogenetic location: 11p11.2.
Variant type: single nucleotide variant.
Coding change: c.3773T>C on transcript NM_000256.3 (MANE Select); coding-DNA position 3773, T replaced by C.
Protein change: p.Leu1258Ser; replaces leucine 1258 with serine.
Molecular consequence: missense variant.
Genome position (GRCh38, 1-based): chr11:47,332,113, A>G on the plus strand (T>C on the coding strand, the complement: MYBPC3 is on the minus strand). VCF-style: chr11-47332113-A-G. GRCh37 (hg19) VCF-style: chr11-47353664-A-G.
Other names: c.3773T>C, p.Leu1258Ser (LRG_386t1); short protein forms L1258S.
Identifiers: ClinVar variation 646744 (VCV000646744.8), dbSNP rs730880604, ClinGen allele CA380310666.